The following is an entry in ClinVar:

ClinVar aggregate classification (germline): Likely benign (1 of 4 stars; one submission).

Allele frequency attached by ClinVar (database versions not stated): gnomAD exomes below 0.00001.
gnomAD v4.1: 1 of 1,614,108 alleles (0.000062%); highest among the groups gnomAD compares: Non-Finnish European, 0.000085%; no homozygotes.

Submission:

CeGaT Center for Human Genetics Tuebingen
Classification: Likely benign. Last evaluated: 2023-05-01. Review status: criteria provided, single submitter. Criteria: CeGaT Center For Human Genetics Tuebingen Variant Classification Criteria Version 2. Collection method: clinical testing. Allele origin: germline. Affected: yes. Observed: 1 variant allele.
Comment: KMT2A: PM2:Supporting, BP4, BP7

NM_001197104.2(KMT2A):c.2478A>G (p.Pro826=)

Gene: KMT2A (lysine methyltransferase 2A; plus strand). Cytogenetic location: 11q23.3.
Variant type: single nucleotide variant.
Coding change: c.2478A>G on transcript NM_001197104.2 (MANE Select); coding-DNA position 2478, A replaced by G.
Protein change: p.Pro826=; no amino-acid change (proline 826 retained).
Molecular consequence: synonymous variant.
Genome position (GRCh38, 1-based): chr11:118,473,637, A>G. VCF-style: chr11-118473637-A-G. GRCh37 (hg19) VCF-style: chr11-118344352-A-G.
Other names: c.2577A>G, p.Pro859= (NM_001412597.1); c.2478A>G, p.Pro826= (NM_005933.4).
Identifiers: ClinVar variation 2642420 (VCV002642420.24), dbSNP rs2496811280, ClinGen allele CA477358449.
Genomic context (GRCh38, chr11:118,473,637, plus strand): 5'-TGGGGAATCTGCAGAGAAAAATCAGAGACCAAGGAAGCAGACTAGTGCTCCGGCAGAGCC[A>G]TTTTCATCAAGTAGTCCTACTCCTCTCTTCCCTTGGTTTACCCCAGGCTCTCAGACTGAA-3'
Protein context (NP_001184033.1, residues 816-836): PRKQTSAPAE[Pro826=]FSSSSPTPLF